The following is an entry in ClinVar:

ClinVar aggregate classification (germline): Pathogenic (1 of 4 stars; one submission).

Conditions:
Developmental and epileptic encephalopathy, 11 (DEE11). Also called: Early infantile epileptic encephalopathy 11. Identifiers: Orphanet 1934, MedGen C3150987, MONDO:0013388, OMIM 613721.
Seizures, benign familial infantile, 3 (BFIS3). Also called: CONVULSIONS, BENIGN FAMILIAL INFANTILE, 3; Familial neonatal seizures. Identifiers: Orphanet 140927, Orphanet 306, MedGen C1843140, MONDO:0011904, OMIM 607745.

Submission:

Labcorp Genetics (formerly Invitae), Labcorp
Classification: Pathogenic for Seizures, benign familial infantile, 3; Developmental and epileptic encephalopathy, 11. Last evaluated: 2024-06-28. Review status: criteria provided, single submitter. Criteria: Invitae Variant Classification Sherloc (09022015). Collection method: clinical testing. Allele origin: germline.
Comment: This sequence change creates a premature translational stop signal (p.Val1082Argfs*7) in the SCN2A gene. It is expected to result in an absent or disrupted protein product. Loss-of-function variants in SCN2A are known to be pathogenic (PMID: 28379373). This variant is not present in population databases (gnomAD no frequency). This variant has not been reported in the literature in individuals affected with SCN2A-related conditions. For these reasons, this variant has been classified as Pathogenic.

Literature cited by the submitters: PubMed 28379373.

NM_001040142.2(SCN2A):c.3244_3245del (p.Val1082fs)

Gene: SCN2A (sodium voltage-gated channel alpha subunit 2; plus strand). Cytogenetic location: 2q24.3.
Variant type: Microsatellite.
Coding change: c.3244_3245del on transcript NM_001040142.2 (MANE Select); coding-DNA positions 3244 to 3245, 2 bases deleted (GT; older notation c.3244_3245delGT).
Protein change: p.Val1082fs; shifts the reading frame from valine 1082.
Molecular consequence: frameshift variant.
Genome position (GRCh38, 1-based): chr2:165,354,516-165,354,517, GT deleted; deleting any 2 consecutive bases within chr2:165,354,514-165,354,517 gives the same sequence; the c. name uses the placement nearest the transcript's 3' end. VCF-style (leftmost placement, unchanged base first): chr2-165354513-AGT-A. GRCh37 (hg19) VCF-style: chr2-166211023-AGT-A.
Other names: c.3244_3245del, p.Val1082fs (NM_001040143.2, NM_001371246.1, NM_001371247.1 and 1 more transcripts); short protein forms V1082fs.
Identifiers: ClinVar variation 3757027 (VCV003757027.2).